The following is an entry in ClinVar:

ClinVar aggregate classification (germline): Uncertain significance (1 of 4 stars; one submission).

Conditions:
Hyperprolinemia type 2 (HYRPRO2). Also called: 1-PYRROLINE-5-CARBOXYLATE DEHYDROGENASE DEFICIENCY; Delta-1-pyrroline-5-carboxylate dehydrogenase deficiency; Deficiency of pyrroline-5-carboxylate reductase. Identifiers: Orphanet 79101, MedGen C2931835, MONDO:0009401, OMIM 239510.

Submission:

Labcorp Genetics (formerly Invitae), Labcorp
Classification: Uncertain significance for Hyperprolinemia type 2. Last evaluated: 2024-04-29. Review status: criteria provided, single submitter. Criteria: Invitae Variant Classification Sherloc (09022015). Collection method: clinical testing. Allele origin: germline.
Comment: This sequence change replaces valine, which is neutral and non-polar, with leucine, which is neutral and non-polar, at codon 429 of the ALDH4A1 protein (p.Val429Leu). This variant is not present in population databases (gnomAD no frequency). This variant has not been reported in the literature in individuals affected with ALDH4A1-related conditions. An algorithm developed to predict the effect of missense changes on protein structure and function (PolyPhen-2) suggests that this variant is likely to be tolerated. In summary, the available evidence is currently insufficient to determine the role of this variant in disease. Therefore, it has been classified as a Variant of Uncertain Significance.

NM_003748.4(ALDH4A1):c.1285G>C (p.Val429Leu)

Gene: ALDH4A1 (aldehyde dehydrogenase 4 family member A1; minus strand). Cytogenetic location: 1p36.13.
Variant type: single nucleotide variant.
Coding change: c.1285G>C on transcript NM_003748.4 (MANE Select); coding-DNA position 1285, G replaced by C.
Protein change: p.Val429Leu; replaces valine 429 with leucine.
Molecular consequence: missense variant. On other transcripts: intron variant (1).
Genome position (GRCh38, 1-based): chr1:18,876,368, C>G on the plus strand (G>C on the coding strand, the complement: ALDH4A1 is on the minus strand). VCF-style: chr1-18876368-C-G. GRCh37 (hg19) VCF-style: chr1-19202862-C-G.
Other names: c.1105G>C, p.Val369Leu (NM_001161504.2); c.1285G>C, p.Val429Leu (NM_170726.3); c.1185+840G>C (NM_001319218.2); short protein forms V429L, V369L.
Identifiers: ClinVar variation 3651469 (VCV003651469.2).